The following is an entry in ClinVar:

ClinVar aggregate classification (germline): Uncertain significance (1 of 4 stars; one submission).

Conditions:
Muscular dystrophy, limb-girdle, autosomal recessive 23. Identifiers: Orphanet 565837, MedGen C4748327, MONDO:0029136, OMIM 618138.

Submission:

Neuberg Centre For Genomic Medicine, NCGM
Classification: Uncertain significance for Muscular dystrophy, limb-girdle, autosomal recessive 23. Review status: criteria provided, single submitter. Criteria: ACMG Guidelines, 2015. Collection method: clinical testing. Allele origin: germline. Inheritance: Autosomal recessive inheritance. Affected: yes.
Comment: The missense variant c.29T>A (p.Leu10His) in LAMA2 gene has not been reported previously as a pathogenic variant nor as a benign variant, to our knowledge. The p.Leu10His variant is novel (not in any individuals) in gnomAD Exomes and 1000 Genomes. The amino acid Leu at position 10 is changed to a His changing protein sequence and it might alter its composition and physico-chemical properties. The variant is predicted to be damaging by SIFT and the residue is conserved across species. The amino acid change p.Leu10His in LAMA2 is predicted as conserved by GERP++ and PhyloP across 100 vertebrates. For these reasons, this variant has been classified as Variant of Uncertain Significance (VUS).

NM_000426.4(LAMA2):c.29T>A (p.Leu10His)

Gene: LAMA2 (laminin subunit alpha 2; plus strand). Cytogenetic location: 6q22.33.
Variant type: single nucleotide variant.
Coding change: c.29T>A on transcript NM_000426.4 (MANE Select); coding-DNA position 29, T replaced by A.
Protein change: p.Leu10His; replaces leucine 10 with histidine.
Molecular consequence: missense variant.
Genome position (GRCh38, 1-based): chr6:128,883,274, T>A. VCF-style: chr6-128883274-T-A. GRCh37 (hg19) VCF-style: chr6-129204419-T-A.
Other names: c.29T>A, p.Leu10His (NM_001079823.2); short protein forms L10H.
Identifiers: ClinVar variation 2585051 (VCV002585051.1), dbSNP rs2482366909, ClinGen allele CA365828208.
Genomic context (GRCh38, chr6:128,883,274, plus strand): 5'-CCCGAGAAGTGGATCCGGTCGCGGCCACTACGATGCCGGGAGCCGCCGGGGTCCTCCTCC[T>A]TCTGCTGCTCTCCGGAGGCCTCGGGGGCGTACAGGCGCAGCGGCCGCAGCAGCAGCGGCA-3'
Protein context (NP_000417.3, residues 1-20): MPGAAGVLL[Leu10His]LLLSGGLGGV